The following is an entry in ClinVar:

NM_000090.4(COL3A1):c.4267G>T (p.Glu1423Ter)

Gene: COL3A1 (collagen type III alpha 1 chain; plus strand). Cytogenetic location: 2q32.2.
Variant type: single nucleotide variant.
Coding change: c.4267G>T on transcript NM_000090.4 (MANE Select); coding-DNA position 4267, G replaced by T.
Protein change: p.Glu1423Ter; replaces glutamic acid 1423 with a stop codon.
Molecular consequence: nonsense.
Genome position (GRCh38, 1-based): chr2:189,011,640, G>T. VCF-style: chr2-189011640-G-T. GRCh37 (hg19) VCF-style: chr2-189876366-G-T.
Other names: short protein forms E1423*.
Identifiers: ClinVar variation 520518 (VCV000520518.4), dbSNP rs1553510000, ClinGen allele CA349850222.

ClinVar aggregate classification (germline): Conflicting classifications of pathogenicity. Review status: criteria provided, conflicting classifications (1 of 4 stars). 3 submissions from 3 submitters: Pathogenic (1); Uncertain significance (2). Last evaluated 2026-03-05.

Conditions:
Familial thoracic aortic aneurysm and aortic dissection (TAAD). Also called: Thoracic aortic aneurysms and dissections. Identifiers: Orphanet 91387, MedGen C4707243, MONDO:0019625.
Ehlers-Danlos syndrome, type 4 (EDSVASC). Also called: Ehlers-Danlos syndrome vascular type; Ehlers Danlos syndrome, ecchymotic type; Ehlers Danlos syndrome, arterial type; Ehlers Danlos syndrome, Sack-Barabas type; Ehlers-Danlos Syndrome Type IV. Identifiers: Orphanet 286, MedGen C0268338, MONDO:0017314, OMIM 130050.

Submissions (3):

Ambry Genetics
Classification: Uncertain significance for Familial thoracic aortic aneurysm and aortic dissection. Last evaluated: 2026-03-05. Review status: criteria provided, single submitter. Criteria: Ambry Variant Classification Scheme 2023. Collection method: clinical testing. Allele origin: germline.
Comment: The p.E1423* variant (also known as c.4267G>T), located in coding exon 51 of the COL3A1 gene, results from a G to T substitution at nucleotide position 4267. This changes the amino acid from a glutamic acid to a stop codon within coding exon 51. This variant occurs at the 3' terminus of the gene, is not expected to trigger nonsense-mediated mRNAdecay, and impacts the last 3% of the protein. The exact functional effect of this variant is unknown. This variant was reported in a family with easy bruising and was also reported in an individual with arterial dissection (Nava T et al. Haemophilia, 2019 Mar;25:e113-e117; Ambry internal data). Based on internal structural analysis, this variant is anticipated to result in a significant decrease in structural stability (Bourhis JM et al. Nat Struct Mol Biol, 2012 Oct;19:1031-6; Pulido D et al. Structure, 2018 Oct;26:1384-1392.e3). Based on the available evidence, the clinical significance of this variant remains unclear.

Genomic Medicine Center of Excellence, King Faisal Specialist Hospital and Research Centre
Classification: Uncertain significance for Ehlers-Danlos syndrome, type 4. Last evaluated: 2025-09-10. Review status: criteria provided, single submitter. Criteria: ACMG Guidelines, 2015. Collection method: clinical testing. Allele origin: germline.

Molecular Diagnostic Laboratory for Inherited Cardiovascular Disease, Montreal Heart Institute
Classification: Pathogenic for Ehlers-Danlos syndrome, type 4. Last evaluated: 2017-06-26. Review status: criteria provided, single submitter. Criteria: ACMG Guidelines, 2015. Collection method: clinical testing. Allele origin: germline. Affected: yes.

Literature cited by the submitters: PubMed 23001006 (cited by Ambry Genetics); PubMed 30078642 (cited by Ambry Genetics); PubMed 30690834 (cited by Ambry Genetics).